The following is an entry in ClinVar:

ClinVar aggregate classification (germline): Conflicting classifications of pathogenicity. Review status: criteria provided, conflicting classifications (1 of 4 stars). 10 submissions from 10 submitters: Uncertain significance (7); Likely benign (3). Last evaluated 2025-12-01.

Conditions:
ATM-related cancer predisposition. Also called: ATM-related cancer susceptibility. Identifiers: MedGen CN377759, MONDO:0700270.
ATM-related disorder. Also called: ATM-related disorders; ATM-related condition.
Hereditary cancer-predisposing syndrome. Also called: Neoplastic Syndromes, Hereditary; Hereditary Cancer Syndrome; Tumor predisposition; Hereditary neoplastic syndrome. Identifiers: Orphanet 140162, MedGen C0027672, MeSH D009386, MONDO:0015356.
Ataxia-telangiectasia syndrome (AT). Also called: Ataxia-telangiectasia, complementation group D; AT, COMPLEMENTATION GROUP C; Ataxia-telangiectasia; ATAXIA-TELANGIECTASIA, COMPLEMENTATION GROUP A; ATAXIA-TELANGIECTASIA, FRESNO VARIANT; Ataxia-telangiectasia, complementation group E. Identifiers: Orphanet 100, MedGen C0004135, MONDO:0008840, OMIM 208900.

Allele frequency attached by ClinVar (database versions not stated): ExAC 0.00002; TOPMed 0.00002; gnomAD exomes 0.00004 and 0.00002; gnomAD 0.00001 and 0.00002.
gnomAD v4.1: 31 of 1,614,020 alleles (0.0019%); highest among the groups gnomAD compares: South Asian, 0.013%; no homozygotes.

Submissions (10):

Labcorp Genetics (formerly Invitae), Labcorp
Classification: Uncertain significance for Ataxia-telangiectasia syndrome. Last evaluated: 2025-12-01. Review status: criteria provided, single submitter. Criteria: Invitae Variant Classification Sherloc (09022015). Collection method: clinical testing. Allele origin: germline.
Comment: This sequence change replaces arginine, which is basic and polar, with histidine, which is basic and polar, at codon 2453 of the ATM protein (p.Arg2453His). This variant is present in population databases (rs587781361, gnomAD 0.02%). This variant has not been reported in the literature in individuals affected with ATM-related conditions. ClinVar contains an entry for this variant (Variation ID: 140905). Invitae Evidence Modeling of protein sequence and biophysical properties (such as structural, functional, and spatial information, amino acid conservation, physicochemical variation, residue mobility, and thermodynamic stability) indicates that this missense variant is not expected to disrupt ATM protein function with a negative predictive value of 95%. In summary, the available evidence is currently insufficient to determine the role of this variant in disease. Therefore, it has been classified as a Variant of Uncertain Significance.

PreventionGenetics, part of Exact Sciences
Classification: Uncertain significance for ATM-related condition. Last evaluated: 2025-08-23. Review status: criteria provided, single submitter. Criteria: ACMG Guidelines, 2015. Collection method: clinical testing. Allele origin: germline.
Comment: The ATM c.7358G>A variant is predicted to result in the amino acid substitution p.Arg2453His. This variant has not been identified in the germline of individuals affected with ATM-related conditions; however, it was identified in tumor tissue from patients with pediatric Ewing sarcoma (Table S2, Crompton et al. 2014. PubMed ID: 25186949). This variant is reported in 0.020% of alleles in individuals of South Asian descent in gnomAD, and has conflicting interpretations in ClinVar including likely benign and uncertain (Variation ID: 140905). At this time, the clinical significance of this variant is uncertain due to the absence of conclusive functional and genetic evidence.

GeneDx
Classification: Uncertain significance. Last evaluated: 2025-07-30. Review status: criteria provided, single submitter. Criteria: GeneDx Variant Classification Process June 2021. Collection method: clinical testing. Allele origin: germline. Affected: yes.
Comment: Observed in individuals with breast cancer, but also in unaffected controls (PMID: 36243179, 33471991, 28652578, 30287823); In silico analysis suggests that this missense variant does not alter protein structure/function; This variant is associated with the following publications: (PMID: 25186949, 30287823, 28652578, 36243179, 23532176, 33471991)

CeGaT Center for Human Genetics Tuebingen
Classification: Likely benign. Last evaluated: 2025-01-01. Review status: criteria provided, single submitter. Criteria: CeGaT Center For Human Genetics Tuebingen Variant Classification Criteria Version 2. Collection method: clinical testing. Allele origin: germline. Affected: yes. Observed: 1 variant allele.
Comment: ATM: BP4, BS1:Supporting

Color Diagnostics, LLC DBA Color Health
Classification: Likely benign for Hereditary cancer-predisposing syndrome. Last evaluated: 2024-09-18. Review status: criteria provided, single submitter. Criteria: ACMG Guidelines, 2015. Collection method: clinical testing. Allele origin: germline.

Quest Diagnostics Nichols Institute San Juan Capistrano
Classification: Uncertain significance. Last evaluated: 2023-10-25. Review status: criteria provided, single submitter. Criteria: Quest Diagnostics criteria. Collection method: clinical testing. Allele origin: unknown.

Department of Pathology and Laboratory Medicine, Sinai Health System
Classification: Uncertain significance for ATM-related cancer predisposition. Last evaluated: 2023-10-05. Review status: criteria provided, single submitter. Criteria: ACMG Guidelines, 2015. Collection method: clinical testing. Allele origin: germline. Affected: no.

Athena Diagnostics
Classification: Uncertain significance. Last evaluated: 2022-08-02. Review status: criteria provided, single submitter. Criteria: Athena Diagnostics Criteria. Collection method: clinical testing. Allele origin: unknown.

Sema4
Classification: Uncertain significance for Hereditary cancer-predisposing syndrome. Last evaluated: 2022-02-27. Review status: criteria provided, single submitter. Criteria: Sema4 Curation Guidelines. Collection method: curation. Allele origin: germline.
Comment: The ATM c.7358G>A (p.R2453H) variant has been reported in 3/60,466 breast cancer cases and 1/53,461 healthy controls by a large case- control study (PMID: 33471991). It was observed in 6/30616 chromosomes of the South Asian subpopulation in the large and broad cohorts of the Genome Aggregation Database (PMID: 32461654). This variant has been reported in ClinVar (Variation ID 140905). Functional studies have not been performed, and in silico predictions of the variant's effect on protein function are inconclusive. The evidence is insufficient to meet ACMG/AMP criteria for classifying the variant as benign or pathogenic. Thus, the clinical significance of this variant is currently uncertain.

Ambry Genetics
Classification: Likely benign for Hereditary cancer-predisposing syndrome. Last evaluated: 2018-12-29. Review status: criteria provided, single submitter. Criteria: Ambry Variant Classification Scheme 2023. Collection method: clinical testing. Allele origin: germline.

Literature cited by the submitters: PubMed 30287823 (cited by 3 submitters); PubMed 33471991 (cited by 4 submitters); PubMed 28652578 (cited by Department of Pathology and Laboratory Medicine, Sinai Health System); PubMed 25186949 (cited by Department of Pathology and Laboratory Medicine, Sinai Health System).

NM_000051.4(ATM):c.7358G>A (p.Arg2453His)

Genes: ATM (ATM serine/threonine kinase; plus strand), C11orf65 (chromosome 11 open reading frame 65; minus strand). Cytogenetic location: 11q22.3.
Variant type: single nucleotide variant.
Coding change: c.7358G>A on transcript NM_000051.4 (MANE Select); coding-DNA position 7358, G replaced by A.
Protein change: p.Arg2453His; replaces arginine 2453 with histidine.
Molecular consequence: missense variant. On other transcripts: intron variant (2).
Genome position (GRCh38, 1-based): chr11:108,330,264, G>A. VCF-style: chr11-108330264-G-A. GRCh37 (hg19) VCF-style: chr11-108200991-G-A.
Other names: p.R2453H:CGT>CAT; c.7358G>A, p.Arg2453His (NM_001351834.2); c.641-21193C>T (NM_001330368.2); c.*38+4956C>T (NM_001351110.2); short protein forms R2453H.
Identifiers: ClinVar variation 140905 (VCV000140905.38), dbSNP rs587781361, ClinGen allele CA293982.
Genomic context (GRCh38, chr11:108,330,264, plus strand): 5'-TCTATGCAAGATACACAGTAAAGGTTCAGCGAGAGCTGGAGTTGGATGAATTAGCCCTGC[G>A]TGCACTGAAAGAGGATCGTAAACGCTTCTTATGTAAAGCAGTTGAAAATTATATCAACTG-3'
Protein context (NP_000042.3, residues 2443-2463): RELELDELAL[Arg2453His]ALKEDRKRFL